The following is an entry in ClinVar:

NM_016492.5(RANGRF):c.194G>T (p.Arg65Leu)

Genes: RANGRF (RAN guanine nucleotide release factor; plus strand), SLC25A35 (solute carrier family 25 member 35; minus strand). Cytogenetic location: 17p13.1.
Variant type: single nucleotide variant.
Coding change: c.194G>T on transcript NM_016492.5 (MANE Select); coding-DNA position 194, G replaced by T.
Protein change: p.Arg65Leu; replaces arginine 65 with leucine.
Molecular consequence: missense variant. On other transcripts: 3 prime UTR variant (2), non-coding transcript variant (2), intron variant (1).
Genome position (GRCh38, 1-based): chr17:8,289,072, G>T. VCF-style: chr17-8289072-G-T. GRCh37 (hg19) VCF-style: chr17-8192390-G-T.
Other names: c.194G>T, p.Arg65Leu (NM_001177801.2, NM_001177802.2, NM_001330127.2); c.*411C>A (NM_001320872.2); c.*544C>A (NM_201520.3); c.*42+502C>A (NM_001320871.2); short protein forms R65L.
Identifiers: ClinVar variation 841681 (VCV000841681.49), dbSNP rs1478013092, ClinGen allele CA397994478.

ClinVar aggregate classification (germline): Uncertain significance (1 of 4 stars; one submission).

Conditions:
Cardiac arrhythmia. Also called: Arrhythmia; Cardiac rhythm disease. Identifiers: MedGen C0003811, MONDO:0007263, HP:0011675.

Allele frequency attached by ClinVar (database versions not stated): gnomAD exomes below 0.00001; TOPMed 0.00001.
gnomAD v4.1: 1 of 1,613,404 alleles (0.000062%); highest among the groups gnomAD compares: African/African-American, 0.0013%; no homozygotes.

Submission:

Labcorp Genetics (formerly Invitae), Labcorp
Classification: Uncertain significance for Cardiac arrhythmia. Last evaluated: 2019-12-19. Review status: criteria provided, single submitter. Criteria: Invitae Variant Classification Sherloc (09022015). Collection method: clinical testing. Allele origin: germline.
Comment: This variant has not been reported in the literature in individuals with RANGRF-related conditions. In summary, the available evidence is currently insufficient to determine the role of this variant in disease. Therefore, it has been classified as a Variant of Uncertain Significance. Nucleotide substitutions within the consensus splice site are a relatively common cause of aberrant splicing (PMID: 17576681, 9536098). Algorithms developed to predict the effect of sequence changes on RNA splicing suggest that this variant may disrupt the consensus splice site, but this prediction has not been confirmed by published transcriptional studies. Algorithms developed to predict the effect of missense changes on protein structure and function are either unavailable or do not agree on the potential impact of this missense change (SIFT: "Deleterious"; PolyPhen-2: "Benign"; Align-GVGD: "Class C25"). This variant is not present in population databases (ExAC no frequency). This sequence change replaces arginine with leucine at codon 65 of the RANGRF protein (p.Arg65Leu). The arginine residue is highly conserved and there is a moderate physicochemical difference between arginine and leucine. This variant also falls at the last nucleotide of exon 2 of the RANGRF coding sequence, which is part of the consensus splice site for this exon.

Literature cited by the submitters: PubMed 17576681; PubMed 9536098.